The following is an entry in ClinVar:

ClinVar aggregate classification (germline): Uncertain significance (1 of 4 stars; one submission).

Submission:

GeneDx
Classification: Uncertain significance. Last evaluated: 2026-03-04. Review status: criteria provided, single submitter. Criteria: GeneDx Variant Classification Process June 2021. Collection method: clinical testing. Allele origin: germline.
Comment: Not observed at significant frequency in large population cohorts (gnomAD); In silico analysis supports that this missense variant has a deleterious effect on protein structure/function; Has not been previously published as pathogenic or benign to our knowledge

NM_014516.4(CNOT3):c.2086T>C (p.Trp696Arg)

Gene: CNOT3 (CCR4-NOT transcription complex subunit 3; plus strand). Cytogenetic location: 19q13.42.
Variant type: single nucleotide variant.
Coding change: c.2086T>C on transcript NM_014516.4 (MANE Select); coding-DNA position 2086, T replaced by C.
Protein change: p.Trp696Arg; replaces tryptophan 696 with arginine.
Molecular consequence: missense variant. On other transcripts: 3 prime UTR variant (2), non-coding transcript variant (2).
Genome position (GRCh38, 1-based): chr19:54,153,763, T>C. VCF-style: chr19-54153763-T-C. GRCh37 (hg19) VCF-style: chr19-54657500-T-C.
Other names: c.2089T>C, p.Trp697Arg (NM_001440653.1, NM_001440655.1, NM_001440657.1 and 2 more transcripts); c.2086T>C, p.Trp696Arg (NM_001440654.1, NM_001440656.1, NM_001440658.1); c.1543T>C, p.Trp515Arg (NM_001440659.1, NM_001440660.1); c.*12T>C (NM_001440663.1, NM_001440664.1); short protein forms W696R, W697R, W515R.
Identifiers: ClinVar variation 5008544 (VCV005008544.1).